The following is an entry in ClinVar:

NM_003801.4(GPAA1):c.1623-8C>T

Gene: GPAA1 (glycosylphosphatidylinositol anchor attachment 1; plus strand). Cytogenetic location: 8q24.3.
Variant type: single nucleotide variant.
Coding change: c.1623-8C>T on transcript NM_003801.4 (MANE Select); 8 bases into the intron before coding-DNA position 1623, C replaced by T.
Molecular consequence: intron variant.
Genome position (GRCh38, 1-based): chr8:144,085,874, C>T. VCF-style: chr8-144085874-C-T. GRCh37 (hg19) VCF-style: chr8-145140777-C-T.
Other names: p.?.
Identifiers: ClinVar variation 775270 (VCV000775270.36), dbSNP rs117116707, ClinGen allele CA4933222.

ClinVar aggregate classification (germline): Benign/Likely benign. Review status: criteria provided, multiple submitters, no conflicts (2 of 4 stars). 5 submissions from 5 submitters: Benign (3); Likely benign (1). 1 of the submissions does not count toward it. Last evaluated 2026-09-01.

Conditions:
GPAA1-related disorder. Also called: GPAA1-related condition.

Allele frequency attached by ClinVar (database versions not stated): 1000 Genomes Project 30x 0.00359; 1000 Genomes Project 0.00379; gnomAD 0.00554 and 0.00574; TOPMed 0.00598; ExAC 0.00603; gnomAD exomes 0.00641; ESP Exome Variant Server 0.00642.

Submissions (5):

CeGaT Center for Human Genetics Tuebingen
Classification: Likely benign. Last evaluated: 2026-09-01. Review status: criteria provided, single submitter. Criteria: CeGaT Center For Human Genetics Tuebingen Variant Classification Criteria Version 2. Collection method: clinical testing. Allele origin: germline. Affected: yes. Observed: 42 variant alleles.
Comment: GPAA1: BP4, BS2

Labcorp Genetics (formerly Invitae), Labcorp
Classification: Benign. Last evaluated: 2026-02-03. Review status: criteria provided, single submitter. Criteria: Invitae Variant Classification Sherloc (09022015). Collection method: clinical testing. Allele origin: germline.

Mayo Clinic Laboratories, Mayo Clinic
Classification: Benign. Last evaluated: 2024-02-09. Review status: criteria provided, single submitter. Criteria: ACMG Guidelines, 2015. Collection method: clinical testing. Allele origin: germline. Observed: 6 variant alleles.
Comment: BS1, BS2, BP4, BP7

Breakthrough Genomics
Classification: Benign. Review status: criteria provided, single submitter. Criteria: ACMG Guidelines, 2015. Collection method: not provided. Allele origin: germline. Inheritance: Autosomal recessive inheritance. Affected: yes.

PreventionGenetics, part of Exact Sciences
Classification: Benign for GPAA1-related condition. Last evaluated: 2019-04-18. Review status: no assertion criteria provided. Collection method: clinical testing. Allele origin: germline. Not counted in ClinVar's aggregate classification.
Comment: This variant is classified as benign based on ACMG/AMP sequence variant interpretation guidelines (Richards et al. 2015 PMID: 25741868, with internal and published modifications).